The following is an entry in ClinVar:

ClinVar aggregate classification (germline): Uncertain significance (1 of 4 stars; one submission).

Submission:

Biesecker Lab/Clinical Genomics Section, National Institutes of Health
Classification: Uncertain significance. Last evaluated: 2013-06-24. Review status: criteria provided, single submitter. Criteria: Ng et al. (Circ Cardiovasc Genet. 2013). Collection method: research. Allele origin: unknown. Observed: 1 variant allele. Study: ClinSeq.
Comment: The study set was not selected for affection status in relation to any cancer. Pathogenicity categories were based on literature curation. See Pubmed ID:23861362 for details.

Medical sequencing

NM_001267550.2(TTN):c.90756_90758del (p.Asn30252_Gly30253delinsLys)

Genes: TTN (titin; minus strand), TTN-AS1 (TTN antisense RNA 1; plus strand). Cytogenetic location: 2q31.2.
Variant type: Deletion.
Coding change: c.90756_90758del on transcript NM_001267550.2 (MANE Select); coding-DNA positions 90756 to 90758, 3 bases deleted (TGG; older notation c.90756_90758delTGG).
Protein change: p.Asn30252_Gly30253delinsLys.
Molecular consequence: inframe indel.
Genome position (GRCh38, 1-based): chr2:178,552,142-178,552,144, CCA deleted on the plus strand (TGG on the coding strand, the reverse complement: TTN is on the minus strand). VCF-style (leftmost placement, unchanged base first): chr2-178552141-TCCA-T. GRCh37 (hg19) VCF-style: chr2-179416868-TCCA-T.
Other names: c.85833_85835del, p.Asn28611_Gly28612delinsLys (NM_001256850.1); c.63561_63563del, p.Asn21187_Gly21188delinsLys (NM_003319.4); c.83052_83054del, p.Asn27684_Gly27685delinsLys (NM_133378.4); c.63936_63938del, p.Asn21312_Gly21313delinsLys (NM_133432.3); c.64137_64139del, p.Asn21379_Gly21380delinsLys (NM_133437.4).
Identifiers: ClinVar variation 191856 (VCV000191856.1), dbSNP rs786205370, ClinGen allele CA237713.